The following is an entry in ClinVar:

ClinVar aggregate classification (germline): Benign/Likely benign. Review status: criteria provided, multiple submitters, no conflicts (2 of 4 stars). 5 submissions from 5 submitters: Benign (1); Likely benign (4). Last evaluated 2026-10-01.

Conditions:
Inborn genetic diseases. Identifiers: MedGen C0950123, MeSH D030342.
Developmental and epileptic encephalopathy, 51 (DEE51). Also called: Epileptic encephalopathy, early infantile, 51. Identifiers: MedGen C4479208, MONDO:0015025, OMIM 617339.

Allele frequency attached by ClinVar (database versions not stated): 1000 Genomes Project 30x 0.00016; gnomAD exomes 0.00018; 1000 Genomes Project 0.00020; ExAC 0.00026; ESP Exome Variant Server 0.00085; gnomAD 0.00093 and 0.00100; TOPMed 0.00096.
gnomAD v4.1: 407 of 1,613,992 alleles (0.025%); highest among the groups gnomAD compares: African/African-American, 0.3%; 1 homozygote.

Submissions (5):

CeGaT Center for Human Genetics Tuebingen
Classification: Likely benign. Last evaluated: 2026-10-01. Review status: criteria provided, single submitter. Criteria: CeGaT Center For Human Genetics Tuebingen Variant Classification Criteria Version 2. Collection method: clinical testing. Allele origin: germline. Affected: yes. Observed: 3 variant alleles.
Comment: MDH2: BP4, BP7

Labcorp Genetics (formerly Invitae), Labcorp
Classification: Benign. Last evaluated: 2026-01-25. Review status: criteria provided, single submitter. Criteria: Invitae Variant Classification Sherloc (09022015). Collection method: clinical testing. Allele origin: germline.

Blueprint Genetics
Classification: Likely benign. Last evaluated: 2024-07-08. Review status: criteria provided, single submitter. Criteria: ACMG Guidelines, 2015. Collection method: clinical testing. Allele origin: germline.

Fulgent Genetics
Classification: Likely benign for Developmental and epileptic encephalopathy, 51. Last evaluated: 2022-03-28. Review status: criteria provided, single submitter. Criteria: ACMG Guidelines, 2015. Collection method: clinical testing. Allele origin: unknown.

Ambry Genetics
Classification: Likely benign for Inborn genetic diseases. Last evaluated: 2022-02-12. Review status: criteria provided, single submitter. Criteria: Ambry Variant Classification Scheme 2023. Collection method: clinical testing. Allele origin: germline.

NM_005918.4(MDH2):c.177G>A (p.Ala59=)

Gene: MDH2 (malate dehydrogenase 2; plus strand). Cytogenetic location: 7q11.23.
Variant type: single nucleotide variant.
Coding change: c.177G>A on transcript NM_005918.4 (MANE Select); coding-DNA position 177, G replaced by A.
Protein change: p.Ala59=; no amino-acid change (alanine 59 retained).
Molecular consequence: synonymous variant. On other transcripts: intron variant (1).
Genome position (GRCh38, 1-based): chr7:76,054,940, G>A. VCF-style: chr7-76054940-G-A. GRCh37 (hg19) VCF-style: chr7-75684258-G-A.
Other names: c.177G>A, p.Ala59= (NM_001282403.2); c.-86-2470G>A (NM_001282404.2).
Identifiers: ClinVar variation 1629809 (VCV001629809.35), dbSNP rs148797426, ClinGen allele CA4305437.